The following is an entry in ClinVar:

NM_007294.4(BRCA1):c.2120G>T (p.Gly707Val)

Gene: BRCA1 (BRCA1 DNA repair associated; minus strand). Cytogenetic location: 17q21.31.
Variant type: single nucleotide variant.
Coding change: c.2120G>T on transcript NM_007294.4 (MANE Select); coding-DNA position 2120, G replaced by T.
Protein change: p.Gly707Val; replaces glycine 707 with valine.
Molecular consequence: missense variant. On other transcripts: intron variant (137).
Genome position (GRCh38, 1-based): chr17:43,093,411, C>A on the plus strand (G>T on the coding strand, the complement: BRCA1 is on the minus strand). VCF-style: chr17-43093411-C-A. GRCh37 (hg19) VCF-style: chr17-41245428-C-A.
Other names: c.2120G>T, p.Gly707Val (NM_001407585.1, NM_001407593.1, NM_001407594.1 and 30 more transcripts); c.2117G>T, p.Gly706Val (NM_001407587.1, NM_001407590.1, NM_001407591.1 and 22 more transcripts); c.2042G>T, p.Gly681Val (NM_001407658.1, NM_001407663.1, NM_001407653.1 and 4 more transcripts); c.2039G>T, p.Gly680Val (NM_001407659.1, NM_001407660.1, NM_001407661.1 and 1 more transcripts); c.1997G>T, p.Gly666Val (NM_001407664.1, NM_001407665.1, NM_001407666.1 and 19 more transcripts); c.1994G>T, p.Gly665Val (NM_001407685.1, NM_001407940.1, NM_001407941.1 and 11 more transcripts); c.1979G>T, p.Gly660Val (NM_001407697.1, NM_001407698.1, NM_001407724.1 and 29 more transcripts); c.1976G>T, p.Gly659Val (NM_001407741.1, NM_001407742.1, NM_001407743.1 and 20 more transcripts); and 41 more; short protein forms G411V, G539V, G579V, G580V, G595V, G596V, G618V, G619V.
Identifiers: ClinVar variation 3069233 (VCV003069233.1), dbSNP rs80357192, ClinGen allele CA10597762.

ClinVar aggregate classification (germline): Uncertain significance (1 of 4 stars; one submission).

Conditions:
Breast-ovarian cancer, familial, susceptibility to, 1 (BROVCA1). Also called: BRCA1 Hereditary Breast and Ovarian Cancer; OVARIAN CANCER, SUSCEPTIBILITY TO. Identifiers: Orphanet 145, MedGen C2676676, MONDO:0011450, OMIM 604370. Disease mechanism: loss of function.

Submission:

All of Us Research Program, National Institutes of Health
Classification: Uncertain significance for Breast-ovarian cancer, familial, susceptibility to, 1. Last evaluated: 2023-05-04. Review status: criteria provided, single submitter. Criteria: ACMG Guidelines, 2015. Collection method: clinical testing. Allele origin: germline. Inheritance: Autosomal dominant inheritance. Observed: 1 variant allele, 1 heterozygote.
Comment: This missense variant replaces glycine with valine at codon 707 of the BRCA1 protein. Computational prediction is inconclusive regarding the impact of this variant on protein structure and function (internally defined REVEL score threshold 0.5 < inconclusive < 0.7, PMID: 27666373). To our knowledge, functional studies have not been reported for this variant. This variant has not been reported in individuals affected with hereditary cancer in the literature. This variant has not been identified in the general population by the Genome Aggregation Database (gnomAD). The available evidence is insufficient to determine the role of this variant in disease conclusively. Therefore, this variant is classified as a Variant of Uncertain Significance.

This study involves interpretation of variants in research participants for the purpose of population health screening. Participant phenotype was not available at the time of variant classification. Additional details can be found in publication PMID: 35346344, PMCID: PMC8962531